The following is an entry in ClinVar:

NM_000352.6(ABCC8):c.3088G>A (p.Asp1030Asn)

Gene: ABCC8 (ATP binding cassette subfamily C member 8; minus strand). Cytogenetic location: 11p15.1.
Variant type: single nucleotide variant.
Coding change: c.3088G>A on transcript NM_000352.6 (MANE Select); coding-DNA position 3088, G replaced by A.
Protein change: p.Asp1030Asn; replaces aspartic acid 1030 with asparagine.
Molecular consequence: missense variant. On other transcripts: non-coding transcript variant (1).
Genome position (GRCh38, 1-based): chr11:17,406,962, C>T on the plus strand (G>A on the coding strand, the complement: ABCC8 is on the minus strand). VCF-style: chr11-17406962-C-T. GRCh37 (hg19) VCF-style: chr11-17428509-C-T.
Other names: c.3091G>A, p.Asp1031Asn (NM_001287174.3); c.3154G>A, p.Asp1052Asn (NM_001351295.2); c.3088G>A, p.Asp1030Asn (NM_001351296.2); c.3085G>A, p.Asp1029Asn (NM_001351297.2); short protein forms D1031N, D1030N, D1029N, D1052N.
Identifiers: ClinVar variation 549939 (VCV000549939.8), dbSNP rs1225850029, ClinGen allele CA379803434.

ClinVar aggregate classification (germline): Uncertain significance. Review status: criteria provided, multiple submitters, no conflicts (2 of 4 stars). 5 submissions from 4 submitters: Uncertain significance (4). 1 of the submissions does not count toward it. Last evaluated 2025-06-19.

Conditions:
Hyperinsulinemic hypoglycemia, familial, 1 (HHF1). Also called: HYPERINSULINISM, FAMILIAL, WITH PANCREATIC NESIDIOBLASTOSIS; HYPOGLYCEMIA, HYPERINSULINEMIC, OF INFANCY; Persistent hyperinsulinemic hypoglycemia of infancy; NESIDIOBLASTOSIS OF PANCREAS; Persistent Hyperinsulinemia Hypoglycemia of Infancy. Identifiers: Orphanet 276575, Orphanet 276598, MedGen C2931832, MONDO:0009734, OMIM 256450.
Transitory neonatal diabetes mellitus. Also called: Transient neonatal diabetes mellitus. Identifiers: MedGen C0342273, MONDO:0020525, HP:0008255.
Maturity-onset diabetes of the young (MODY). Also called: Maturity onset diabetes mellitus in young. Identifiers: Orphanet 552, MedGen C0342276, MONDO:0018911, HP:0004904.

Allele frequency attached by ClinVar (database versions not stated): gnomAD exomes below 0.00001.
gnomAD v4.1: 2 of 1,614,134 alleles (0.00012%); highest among the groups gnomAD compares: East Asian, 0.0022%; no homozygotes.

Submissions (5):

Labcorp Genetics (formerly Invitae), Labcorp
Classification: Uncertain significance. Last evaluated: 2025-06-19. Review status: criteria provided, single submitter. Criteria: Invitae Variant Classification Sherloc (09022015). Collection method: clinical testing. Allele origin: germline.
Comment: This sequence change replaces aspartic acid, which is acidic and polar, with asparagine, which is neutral and polar, at codon 1030 of the ABCC8 protein (p.Asp1030Asn). This variant is not present in population databases (gnomAD no frequency). This missense change has been observed in individual(s) with ABCC8-related conditions (PMID: 25201519, 32928245, 33046911). This variant is also known as D1031N. ClinVar contains an entry for this variant (Variation ID: 549939). Invitae Evidence Modeling of protein sequence and biophysical properties (such as structural, functional, and spatial information, amino acid conservation, physicochemical variation, residue mobility, and thermodynamic stability) has been performed for this missense variant. However, the output from this modeling did not meet the statistical confidence thresholds required to predict the impact of this variant on ABCC8 protein function. In summary, the available evidence is currently insufficient to determine the role of this variant in disease. Therefore, it has been classified as a Variant of Uncertain Significance.

Genetic Services Laboratory, University of Chicago
Classification: Uncertain significance. Last evaluated: 2022-01-05. Review status: criteria provided, single submitter. Criteria: ACMG Guidelines, 2015. Collection method: clinical testing. Allele origin: germline. Affected: no.

Clinical Genomics, Uppaluri K&H Personalized Medicine Clinic
Classification: Uncertain significance for Maturity-onset diabetes of the young. Review status: criteria provided, single submitter. Criteria: K & H Uppaluri Personalized Medicine Clinic Variant Classification & Assertion Criteria_Updated V.1. Collection method: research. Allele origin: unknown. Inheritance: Somatic mutation.
Comment: Mutations in ABCC8 gene are associated with both neonatal diabetes mellitus as well as MODY. Patients with this mutation may have a better response to sulfonylureas. However, no sufficient evidence is found to ascertain the role of this particular variant ( rs1225850029) in MODY yet.

Clinical Genomics, Uppaluri K&H Personalized Medicine Clinic
Classification: Uncertain significance for Transitory neonatal diabetes mellitus. Review status: criteria provided, single submitter. Criteria: K & H Uppaluri Personalized Medicine Clinic Variant Classification & Assertion Criteria_Updated V.1. Collection method: research. Allele origin: unknown. Inheritance: Somatic mutation.
Comment: Mutations in ABCC8 gene are associated with both neonatal diabetes mellitus as well as MODY. Patients with this mutation may have a better response to sulfonylureas. However, no sufficient evidence is found to ascertain the role of this particular variant ( rs1225850029) in neonatal diabetes yet.

Counsyl
Classification: Uncertain significance for Hyperinsulinemic hypoglycemia, familial, 1. Last evaluated: 2017-01-25. Review status: no assertion criteria provided. Collection method: clinical testing. Allele origin: unknown. Not counted in ClinVar's aggregate classification.

Literature cited by the submitters: PubMed 25201519 (cited by Labcorp Genetics (formerly Invitae), Labcorp and Counsyl); PubMed 32928245 (cited by Labcorp Genetics (formerly Invitae), Labcorp); PubMed 33046911 (cited by Labcorp Genetics (formerly Invitae), Labcorp); PubMed 16885549 (cited by Clinical Genomics, Uppaluri K&H Personalized Medicine Clinic); PubMed 21989597 (cited by Clinical Genomics, Uppaluri K&H Personalized Medicine Clinic); PubMed 27538677 (cited by Clinical Genomics, Uppaluri K&H Personalized Medicine Clinic); PubMed 18981553 (cited by Clinical Genomics, Uppaluri K&H Personalized Medicine Clinic); PubMed 32027066 (cited by Clinical Genomics, Uppaluri K&H Personalized Medicine Clinic); PubMed 16613899 (cited by Clinical Genomics, Uppaluri K&H Personalized Medicine Clinic); PubMed 18025408 (cited by Clinical Genomics, Uppaluri K&H Personalized Medicine Clinic); PubMed 32792356 (cited by Clinical Genomics, Uppaluri K&H Personalized Medicine Clinic).